The following is an entry in ClinVar:

NM_000512.5(GALNS):c.757C>T (p.Arg253Trp)

Gene: GALNS (galactosamine (N-acetyl)-6-sulfatase; minus strand). Cytogenetic location: 16q24.3.
Variant type: single nucleotide variant.
Coding change: c.757C>T on transcript NM_000512.5 (MANE Select); coding-DNA position 757, C replaced by T.
Protein change: p.Arg253Trp; replaces arginine 253 with tryptophan.
Molecular consequence: missense variant.
Genome position (GRCh38, 1-based): chr16:88,835,726, G>A on the plus strand (C>T on the coding strand, the complement: GALNS is on the minus strand). VCF-style: chr16-88835726-G-A. GRCh37 (hg19) VCF-style: chr16-88902134-G-A.
Other names: c.202C>T, p.Arg68Trp (NM_001323543.2); c.775C>T, p.Arg259Trp (NM_001323544.2); short protein forms R253W, R259W, R68W.
Identifiers: ClinVar variation 1002003 (VCV001002003.14), dbSNP rs775300515, ClinGen allele CA8235004.

ClinVar aggregate classification (germline): Conflicting classifications of pathogenicity. Review status: criteria provided, conflicting classifications (1 of 4 stars). 4 submissions from 4 submitters: Pathogenic (1); Likely pathogenic (2); Uncertain significance (1). Last evaluated 2024-10-10.

Conditions:
Morquio syndrome. Also called: Eccentrochondrodysplasia; Mucopolysaccharidosis, Type IV; MPS IV; Mucopolysaccharidosis type 4. Identifiers: Orphanet 582, MedGen C0026707, MONDO:0018938.
Mucopolysaccharidosis, MPS-IV-A (MPS4A). Also called: Morquio syndrome A, mild; MORQUIO SYNDROME A; Mucopolysaccharidosis type IV A; Mucopolysaccharidosis Type IVA; GALACTOSAMINE-6-SULFATASE DEFICIENCY; GALNS DEFICIENCY. Identifiers: Orphanet 309297, Orphanet 582, MedGen C0086651, MONDO:0009659, OMIM 253000.

Allele frequency attached by ClinVar (database versions not stated): gnomAD exomes below 0.00001 and 0.00001; ExAC 0.00001; gnomAD 0.00001.

Submissions (4):

Women's Health and Genetics/Laboratory Corporation of America, LabCorp
Classification: Pathogenic for Morquio syndrome. Last evaluated: 2024-10-10. Review status: criteria provided, single submitter. Criteria: LabCorp Variant Classification Summary - May 2015. Collection method: clinical testing. Allele origin: germline.
Comment: Variant summary: GALNS c.757C>T (p.Arg253Trp) results in a non-conservative amino acid change located in the Sulfatase, N-terminal domain (IPR000917) of the encoded protein sequence. Five of five in-silico tools predict a damaging effect of the variant on protein function. Consensus agreement among computation tools predict no significant impact on normal splicing. However, these predictions have yet to be confirmed by functional studies. The variant allele was found at a frequency of 1.2e-05 in 251242 control chromosomes. c.757C>T has been reported in the literature in multiple homozygous individuals affected with Mucopolysaccharidosis Type IVA (Morquio Syndrome A) (e.g. Montano_2007). These data indicate that the variant is very likely to be associated with disease. At least one publication reports experimental evidence evaluating an impact on protein function. The most pronounced variant effect results in <10% of normal enzyme activity in vitro (e.g. Montano_2007). The following publication has been ascertained in the context of this evaluation (PMID: 17876718). ClinVar contains an entry for this variant (Variation ID: 1002003). Based on the evidence outlined above, the variant was classified as pathogenic.

Labcorp Genetics (formerly Invitae), Labcorp
Classification: Uncertain significance for Mucopolysaccharidosis, MPS-IV-A. Last evaluated: 2022-01-11. Review status: criteria provided, single submitter. Criteria: Invitae Variant Classification Sherloc (09022015). Collection method: clinical testing. Allele origin: germline.
Comment: This sequence change replaces arginine, which is basic and polar, with tryptophan, which is neutral and slightly polar, at codon 253 of the GALNS protein (p.Arg253Trp). This variant is present in population databases (rs775300515, gnomAD 0.006%). This missense change has been observed in individual(s) with mucopolysaccharidosis type IVA (PMID: 17876718). ClinVar contains an entry for this variant (Variation ID: 1002003). Algorithms developed to predict the effect of missense changes on protein structure and function are either unavailable or do not agree on the potential impact of this missense change (SIFT: "Tolerated"; PolyPhen-2: "Probably Damaging"; Align-GVGD: "Class C0"). Experimental studies have shown that this missense change affects GALNS function (PMID: 17876718). In summary, the available evidence is currently insufficient to determine the role of this variant in disease. Therefore, it has been classified as a Variant of Uncertain Significance.

Genome-Nilou Lab
Classification: Likely pathogenic for Mucopolysaccharidosis, MPS-IV-A. Last evaluated: 2021-11-07. Review status: criteria provided, single submitter. Criteria: ACMG Guidelines, 2015. Collection method: clinical testing. Allele origin: germline. Affected: no.

Laboratory of Diagnosis and Therapy of Lysosomal Disorders, University of Padova
Classification: Likely pathogenic for Mucopolysaccharidosis, MPS-IV-A. Last evaluated: 2021-02-01. Review status: criteria provided, single submitter. Criteria: ACMG Guidelines, 2015. Collection method: curation. Allele origin: germline. Affected: yes.
Comment: In vitro functional studies supportive of a damaging effect on the gene product (low in vitro enzymatic activity; PS3_supporting); the prevalence of the variant in affected individuals is significantly increased compared with the prevalence in controls (PS4_strong); very low frequency in gnomAD v2.1.1 (PM2_moderate); multiple lines of computational evidence support a deleterious effect on the gene (PP3_supporting)

Literature cited by the submitters: PubMed 17876718 (cited by 3 submitters); PubMed 16287098 (cited by Laboratory of Diagnosis and Therapy of Lysosomal Disorders, University of Padova); PubMed 34387910 (cited by Laboratory of Diagnosis and Therapy of Lysosomal Disorders, University of Padova).